The following is an entry in ClinVar:

ClinVar aggregate classification (germline): Likely benign (1 of 4 stars; one submission).

Allele frequency attached by ClinVar (database versions not stated): gnomAD exomes below 0.00001.
gnomAD v4.1: 1 of 1,614,206 alleles (0.000062%); highest among the groups gnomAD compares: Non-Finnish European, 0.000085%; no homozygotes.

Submission:

CeGaT Center for Human Genetics Tuebingen
Classification: Likely benign. Last evaluated: 2022-12-01. Review status: criteria provided, single submitter. Criteria: CeGaT Center For Human Genetics Tuebingen Variant Classification Criteria Version 2. Collection method: clinical testing. Allele origin: germline. Affected: yes. Observed: 1 variant allele.
Comment: SCN11A: BP4, BP7

NM_001349253.2(SCN11A):c.4464T>C (p.Phe1488=)

Gene: SCN11A (sodium voltage-gated channel alpha subunit 11; minus strand). Cytogenetic location: 3p22.2.
Variant type: single nucleotide variant.
Coding change: c.4464T>C on transcript NM_001349253.2 (MANE Select); coding-DNA position 4464, T replaced by C.
Protein change: p.Phe1488=; no amino-acid change (phenylalanine 1488 retained).
Molecular consequence: synonymous variant.
Genome position (GRCh38, 1-based): chr3:38,847,606, A>G on the plus strand (T>C on the coding strand, the complement: SCN11A is on the minus strand). VCF-style: chr3-38847606-A-G. GRCh37 (hg19) VCF-style: chr3-38889097-A-G.
Other names: c.4464T>C, p.Phe1488= (NM_014139.3).
Identifiers: ClinVar variation 2653679 (VCV002653679.24), dbSNP rs1208827787, ClinGen allele CA433335766.
Genomic context (GRCh38, chr3:38,847,606, plus strand): 5'-CATAATCAGAAAGAGTAGAAGACCAATGTTGAACAGAGAAGGAAGCGACATCATCAGAGC[A>G]AAGAGGAGAGTCCTGATTCCTCGTGCAGCCCGGACAAGCCTCAGGATTCGGCCAATCCGA-3'
Protein context (NP_001336182.1, residues 1478-1498): RAARGIRTLL[Phe1488=]ALMMSLPSLF